The following is an entry in ClinVar:

NC_000005.10:g.112707387A>G

Gene: APC (APC regulator of Wnt signaling pathway; plus strand). Cytogenetic location: 5q22.2.
Variant type: single nucleotide variant.
Genome position: GRCh38 VCF-style: chr5-112707387-A-G. GRCh37 (hg19) VCF-style: chr5-112043084-A-G.
Identifiers: ClinVar variation 3727946 (VCV003727946.2).

ClinVar aggregate classification (germline): Uncertain significance (1 of 4 stars; one submission).

Conditions:
Familial adenomatous polyposis 1 (FAP1). Also called: FAMILIAL ADENOMATOUS POLYPOSIS 1, ATTENUATED; POLYPOSIS, ADENOMATOUS INTESTINAL. Identifiers: MedGen C2713442, MONDO:0021056, OMIM 175100. Disease mechanism: loss of function.

Submission:

Labcorp Genetics (formerly Invitae), Labcorp
Classification: Uncertain significance for Familial adenomatous polyposis 1. Last evaluated: 2024-12-24. Review status: criteria provided, single submitter. Criteria: Invitae Variant Classification Sherloc (09022015). Collection method: clinical testing. Allele origin: germline.
Comment: This variant occurs in a non-coding region of the APC gene. It does not change the encoded amino acid sequence of the APC protein. This variant is not present in population databases (gnomAD no frequency). This variant has not been reported in the literature in individuals affected with APC-related conditions. Experimental studies and prediction algorithms are not available or were not evaluated, and the functional significance of this variant is currently unknown. In summary, the available evidence is currently insufficient to determine the role of this variant in disease. Therefore, it has been classified as a Variant of Uncertain Significance.